The following is an entry in ClinVar:

NM_017950.4(CCDC40):c.3046G>A (p.Val1016Ile)

Gene: CCDC40 (coiled-coil domain 40 molecular ruler complex subunit; plus strand). Cytogenetic location: 17q25.3.
Variant type: single nucleotide variant.
Coding change: c.3046G>A on transcript NM_017950.4 (MANE Select); coding-DNA position 3046, G replaced by A.
Protein change: p.Val1016Ile; replaces valine 1016 with isoleucine.
Molecular consequence: missense variant.
Genome position (GRCh38, 1-based): chr17:80,097,269, G>A. VCF-style: chr17-80097269-G-A. GRCh37 (hg19) VCF-style: chr17-78071068-G-A.
Other names: p.Val1016Ile; short protein forms V1016I.
Identifiers: ClinVar variation 260970 (VCV000260970.53), dbSNP rs117307093, ClinGen allele CA8814614.

ClinVar aggregate classification (germline): Conflicting classifications of pathogenicity. Review status: criteria provided, conflicting classifications (1 of 4 stars). 10 submissions from 10 submitters: Uncertain significance (5); Likely benign (3). 2 of the submissions do not count toward it. Last evaluated 2024-08-07.

Conditions:
Primary ciliary dyskinesia. Also called: Ciliary dyskinesia. Identifiers: Orphanet 244, MedGen C0008780, MONDO:0016575, HP:0012265.
Primary ciliary dyskinesia 15. Also called: CILIARY DYSKINESIA, PRIMARY, 15, WITH OR WITHOUT SITUS INVERSUS. Identifiers: Orphanet 244, MedGen C3151137, MONDO:0013435, OMIM 613808.

Allele frequency attached by ClinVar (database versions not stated): ExAC 0.00085; gnomAD exomes 0.00087 and 0.00100; ESP Exome Variant Server 0.00122; gnomAD 0.00123; 1000 Genomes Project 0.00140; TOPMed 0.00141; 1000 Genomes Project 30x 0.00156.
gnomAD v4.1: 1,650 of 1,613,968 alleles (0.1%); highest among the groups gnomAD compares: African/African-American, 0.2%; 3 homozygotes.

Submissions (10):

Blueprint Genetics
Classification: Likely benign. Last evaluated: 2024-08-07. Review status: criteria provided, single submitter. Criteria: ACMG Guidelines, 2015. Collection method: clinical testing. Allele origin: germline.

Mayo Clinic Laboratories, Mayo Clinic
Classification: Uncertain significance. Last evaluated: 2024-06-03. Review status: criteria provided, single submitter. Criteria: ACMG Guidelines, 2015. Collection method: clinical testing. Allele origin: germline. Observed: 1 variant allele.
Comment: BP4_strong

Labcorp Genetics (formerly Invitae), Labcorp
Classification: Uncertain significance for Primary ciliary dyskinesia. Last evaluated: 2022-09-23. Review status: criteria provided, single submitter. Criteria: Invitae Variant Classification Sherloc (09022015). Collection method: clinical testing. Allele origin: germline.
Comment: This sequence change replaces valine, which is neutral and non-polar, with isoleucine, which is neutral and non-polar, at codon 1016 of the CCDC40 protein (p.Val1016Ile). This variant is present in population databases (rs117307093, gnomAD 0.2%), and has an allele count higher than expected for a pathogenic variant. This variant has not been reported in the literature in individuals affected with CCDC40-related conditions. ClinVar contains an entry for this variant (Variation ID: 260970). Advanced modeling of protein sequence and biophysical properties (such as structural, functional, and spatial information, amino acid conservation, physicochemical variation, residue mobility, and thermodynamic stability) performed at Invitae indicates that this missense variant is not expected to disrupt CCDC40 protein function. In summary, the available evidence is currently insufficient to determine the role of this variant in disease. Therefore, it has been classified as a Variant of Uncertain Significance.

Institute for Clinical Genetics, University Hospital TU Dresden, University Hospital TU Dresden
Classification: Uncertain significance. Last evaluated: 2021-11-03. Review status: criteria provided, single submitter. Criteria: ACMG Guidelines, 2015. Collection method: clinical testing. Allele origin: germline.

CeGaT Center for Human Genetics Tuebingen
Classification: Uncertain significance. Last evaluated: 2021-10-01. Review status: criteria provided, single submitter. Criteria: CeGaT Center For Human Genetics Tuebingen Variant Classification Criteria Version 2. Collection method: clinical testing. Allele origin: germline. Affected: yes. Observed: 1 variant allele.

Ambry Genetics
Classification: Likely benign for Primary ciliary dyskinesia. Last evaluated: 2019-03-18. Review status: criteria provided, single submitter. Criteria: Ambry Variant Classification Scheme 2023. Collection method: clinical testing. Allele origin: germline.

Illumina Laboratory Services, Illumina
Classification: Uncertain significance for Primary ciliary dyskinesia 15. Last evaluated: 2018-01-13. Review status: criteria provided, single submitter. Criteria: ICSL Variant Classification Criteria 13 December 2019. Collection method: clinical testing. Allele origin: germline.

PreventionGenetics, part of Exact Sciences
Classification: Likely benign. Review status: criteria provided, single submitter. Criteria: ACMG Guidelines, 2015. Collection method: clinical testing. Allele origin: germline.

Clinical Genetics DNA and cytogenetics Diagnostics Lab, Erasmus MC, Erasmus Medical Center
Classification: Likely benign. Review status: no assertion criteria provided. Collection method: clinical testing. Allele origin: germline. Affected: yes. Study: VKGL Data-share Consensus. Not counted in ClinVar's aggregate classification.

Laboratory of Diagnostic Genome Analysis, Leiden University Medical Center (LUMC)
Classification: Likely benign. Review status: no assertion criteria provided. Collection method: clinical testing. Allele origin: germline. Affected: yes. Study: VKGL Data-share Consensus. Not counted in ClinVar's aggregate classification.